The following is an entry in ClinVar:

ClinVar aggregate classification (germline): Uncertain significance (1 of 4 stars; one submission).

gnomAD v4.1: 2 of 1,613,798 alleles (0.00012%); highest among the groups gnomAD compares: Non-Finnish European, 0.00017%; no homozygotes.

Submission:

Ambry Genetics
Classification: Uncertain significance. Last evaluated: 2025-04-13. Review status: criteria provided, single submitter. Criteria: Ambry Variant Classification Scheme 2023. Collection method: clinical testing. Allele origin: germline.
Comment: The p.I329V variant (also known as c.985A>G), located in coding exon 3 of the WNK2 gene, results from an A to G substitution at nucleotide position 985. The isoleucine at codon 329 is replaced by valine, an amino acid with highly similar properties. This amino acid position is conserved. In addition, this alteration is predicted to be tolerated by in silico analysis. Based on the available evidence, the clinical significance of this variant remains unclear.

NM_006648.4(WNK2):c.985A>G (p.Ile329Val)

Gene: WNK2 (WNK lysine deficient protein kinase 2; plus strand). Cytogenetic location: 9q22.31.
Variant type: single nucleotide variant.
Coding change: c.985A>G on transcript NM_006648.4 (MANE Select); coding-DNA position 985, A replaced by G.
Protein change: p.Ile329Val; replaces isoleucine 329 with valine.
Molecular consequence: missense variant.
Genome position (GRCh38, 1-based): chr9:93,231,018, A>G. VCF-style: chr9-93231018-A-G. GRCh37 (hg19) VCF-style: chr9-95993300-A-G.
Other names: c.985A>G, p.Ile329Val (NM_001282394.3); short protein forms I329V.
Identifiers: ClinVar variation 3981874 (VCV003981874.1).
Genomic context (GRCh38, chr9:93,231,018, plus strand): 5'-CTGCTGTTCCTGCACACAAGGACGCCACCCATCATCCACCGAGACCTGAAATGTGACAAT[A>G]TTTTCATCACCGGACCAACTGGGTCTGTGAAGATTGGCGACTTGGGCCTGGCCACTCTGA-3'
Protein context (NP_006639.3, residues 319-339): IIHRDLKCDN[Ile329Val]FITGPTGSVK